The following is an entry in ClinVar:

NM_017950.4(CCDC40):c.2051C>T (p.Thr684Ile)

Gene: CCDC40 (coiled-coil domain 40 molecular ruler complex subunit; plus strand). Cytogenetic location: 17q25.3.
Variant type: single nucleotide variant.
Coding change: c.2051C>T on transcript NM_017950.4 (MANE Select); coding-DNA position 2051, C replaced by T.
Protein change: p.Thr684Ile; replaces threonine 684 with isoleucine.
Molecular consequence: missense variant.
Genome position (GRCh38, 1-based): chr17:80,084,804, C>T. VCF-style: chr17-80084804-C-T. GRCh37 (hg19) VCF-style: chr17-78058603-C-T.
Other names: c.2051C>T, p.Thr684Ile (NM_001243342.2); short protein forms T684I.
Identifiers: ClinVar variation 966869 (VCV000966869.10), dbSNP rs200542971, ClinGen allele CA8814096.

ClinVar aggregate classification (germline): Uncertain significance (1 of 4 stars; one submission).

Conditions:
Primary ciliary dyskinesia. Also called: Ciliary dyskinesia. Identifiers: Orphanet 244, MedGen C0008780, MONDO:0016575, HP:0012265.

Allele frequency attached by ClinVar (database versions not stated): gnomAD exomes below 0.00001 and 0.00001; ExAC 0.00002; TOPMed 0.00003; ESP Exome Variant Server 0.00008.
gnomAD v4.1: 8 of 1,614,176 alleles (0.0005%); highest among the groups gnomAD compares: Admixed American, 0.0033%; no homozygotes.

Submission:

Labcorp Genetics (formerly Invitae), Labcorp
Classification: Uncertain significance for Primary ciliary dyskinesia. Last evaluated: 2022-01-02. Review status: criteria provided, single submitter. Criteria: Invitae Variant Classification Sherloc (09022015). Collection method: clinical testing. Allele origin: germline.
Comment: In summary, the available evidence is currently insufficient to determine the role of this variant in disease. Therefore, it has been classified as a Variant of Uncertain Significance. Algorithms developed to predict the effect of missense changes on protein structure and function (SIFT, PolyPhen-2, Align-GVGD) all suggest that this variant is likely to be tolerated. ClinVar contains an entry for this variant (Variation ID: 966869). This variant has not been reported in the literature in individuals affected with CCDC40-related conditions. This variant is present in population databases (rs200542971, gnomAD 0.007%). This sequence change replaces threonine, which is neutral and polar, with isoleucine, which is neutral and non-polar, at codon 684 of the CCDC40 protein (p.Thr684Ile).